The following is an entry in ClinVar:

NM_000047.3(ARSL):c.123TCT[1] (p.Leu43del)

Gene: ARSL (arylsulfatase L; minus strand). Cytogenetic location: Xp22.33.
Variant type: Microsatellite.
Coding change: c.123TCT[1] on transcript NM_000047.3 (MANE Select); one copy of the 3-base unit TCT starting at c.123; the reference has two copies in a row; one copy, 3 bases deleted.
Protein change: p.Leu43del; deletes leucine 43.
Molecular consequence: inframe deletion. On other transcripts: intron variant (1).
Genome position (GRCh38, 1-based): chrX:2,958,331-2,958,333, AGA deleted on the plus strand (TCT on the coding strand, the reverse complement: ARSL is on the minus strand); deleting any 3 consecutive bases within chrX:2,958,331-2,958,338 gives the same sequence; the position shown is the placement nearest the transcript's 3' end. VCF-style (leftmost placement, unchanged base first): chrX-2958330-CAGA-C. GRCh37 (hg19) VCF-style: chrX-2876371-CAGA-C.
Other names: c.126_128delTCT (NM_000047.2); c.198TCT[1], p.Leu68del (NM_001282628.2, NM_001369080.1); c.150TCT[1], p.Leu52del (NM_001369079.1); c.23+2045_23+2047del (NM_001282631.2); short protein forms L43del, L68del, L52del.
Identifiers: ClinVar variation 503608 (VCV000503608.2), dbSNP rs1555910687, ClinGen allele CA658799575.

ClinVar aggregate classification (germline): Pathogenic (1 of 4 stars; one submission).

Submission:

GeneDx
Classification: Pathogenic. Last evaluated: 2018-02-05. Review status: criteria provided, single submitter. Criteria: GeneDx Variant Classification (06012015). Collection method: clinical testing. Allele origin: germline. Affected: yes.
Comment: The c.126_128delTCT variant is not observed in large population cohorts (Lek et al., 2016). In vitro expression assays demonstrated that c.126_128delTCT retained only residual activity of ARSE, compared to wild type (Matos-Miranda et al., 2016). We interpret c.126_128delTCT as a pathogenic variant.